The following is an entry in ClinVar:

NM_001330078.2(NRXN1):c.2438G>A (p.Arg813His)

Gene: NRXN1 (neurexin 1; minus strand). Cytogenetic location: 2p16.3.
Variant type: single nucleotide variant.
Coding change: c.2438G>A on transcript NM_001330078.2 (MANE Select); coding-DNA position 2438, G replaced by A.
Protein change: p.Arg813His; replaces arginine 813 with histidine.
Molecular consequence: missense variant.
Genome position (GRCh38, 1-based): chr2:50,506,554, C>T on the plus strand (G>A on the coding strand, the complement: NRXN1 is on the minus strand). VCF-style: chr2-50506554-C-T. GRCh37 (hg19) VCF-style: chr2-50733692-C-T.
Other names: c.2558G>A, p.Arg853His (NM_001135659.3); c.2414G>A, p.Arg805His (NM_001330077.2, NM_001330082.2); c.2372G>A, p.Arg791His (NM_001330083.2, NM_001330084.2); c.2411G>A, p.Arg804His (NM_001330085.2); c.2438G>A, p.Arg813His (NM_001330086.2, NM_004801.6); c.2327G>A, p.Arg776His (NM_001330087.2, NM_001330096.2); c.2357G>A, p.Arg786His (NM_001330088.2); c.2435G>A, p.Arg812His (NM_001330093.2); and 2 more; short protein forms R813H, R776H, R796H, R812H, R786H, R791H, R804H, R805H.
Identifiers: ClinVar variation 1041956 (VCV001041956.10), dbSNP rs773464948, ClinGen allele CA1654820.

ClinVar aggregate classification (germline): Uncertain significance. Review status: criteria provided, multiple submitters, no conflicts (2 of 4 stars). 4 submissions from 4 submitters: Uncertain significance (4). Last evaluated 2024-09-16.

Conditions:
Pitt-Hopkins-like syndrome 2 (PTHSL2). Identifiers: Orphanet 221150, Orphanet 600663, MedGen C3280479, MONDO:0013690, OMIM 614325.
Inborn genetic diseases. Identifiers: MedGen C0950123, MeSH D030342.

Allele frequency attached by ClinVar (database versions not stated): gnomAD exomes 0.00002 and 0.00003; TOPMed 0.00002; gnomAD 0.00003; ExAC 0.00004.
gnomAD v4.1: 40 of 1,613,184 alleles (0.0025%); highest among the groups gnomAD compares: East Asian, 0.018%; no homozygotes.

Submissions (4):

Labcorp Genetics (formerly Invitae), Labcorp
Classification: Uncertain significance for Pitt-Hopkins-like syndrome 2. Last evaluated: 2024-09-16. Review status: criteria provided, single submitter. Criteria: Invitae Variant Classification Sherloc (09022015). Collection method: clinical testing. Allele origin: germline.
Comment: This sequence change replaces arginine, which is basic and polar, with histidine, which is basic and polar, at codon 853 of the NRXN1 protein (p.Arg853His). This variant is present in population databases (rs773464948, gnomAD 0.01%). This missense change has been observed in individual(s) with autism spectrum disorder (PMID: 25418537). This variant is also known as R813H. ClinVar contains an entry for this variant (Variation ID: 1041956). An algorithm developed to predict the effect of missense changes on protein structure and function (PolyPhen-2) suggests that this variant is likely to be tolerated. Experimental studies have shown that this missense change affects NRXN1 function (PMID: 32942984). In summary, the available evidence is currently insufficient to determine the role of this variant in disease. Therefore, it has been classified as a Variant of Uncertain Significance.

Blueprint Genetics
Classification: Uncertain significance. Last evaluated: 2024-02-29. Review status: criteria provided, single submitter. Criteria: ACMG Guidelines, 2015. Collection method: clinical testing. Allele origin: germline.

Ambry Genetics
Classification: Uncertain significance for Inborn genetic diseases. Last evaluated: 2022-06-08. Review status: criteria provided, single submitter. Criteria: Ambry Variant Classification Scheme 2023. Collection method: clinical testing. Allele origin: germline.

GeneDx
Classification: Uncertain significance. Last evaluated: 2019-03-14. Review status: criteria provided, single submitter. Criteria: GeneDx Variant Classification Process June 2021. Collection method: clinical testing. Allele origin: germline. Affected: yes.
Comment: In silico analysis, which includes protein predictors and evolutionary conservation, supports a deleterious effect; Missense variant in a gene in which most reported pathogenic variants are truncating/loss-of-function; This variant is associated with the following publications: (PMID: 25418537)

Literature cited by the submitters: PubMed 25418537 (cited by Labcorp Genetics (formerly Invitae), Labcorp and Ambry Genetics); PubMed 32942984 (cited by Labcorp Genetics (formerly Invitae), Labcorp and Ambry Genetics); PubMed 30564305 (cited by Ambry Genetics); PubMed 33004838 (cited by Ambry Genetics).